The following is an entry in ClinVar:

ClinVar aggregate classification (germline): Uncertain significance (1 of 4 stars; one submission).

Conditions:
Hereditary cancer-predisposing syndrome. Also called: Hereditary Cancer Syndrome; Tumor predisposition; Hereditary neoplastic syndrome; Neoplastic Syndromes, Hereditary. Identifiers: Orphanet 140162, MedGen C0027672, MeSH D009386, MONDO:0015356.

gnomAD v4.1: 2 of 1,613,968 alleles (0.00012%); highest among the groups gnomAD compares: Non-Finnish European, 0.00017%; no homozygotes.

Submission:

Ambry Genetics
Classification: Uncertain significance for Hereditary cancer-predisposing syndrome. Last evaluated: 2024-05-04. Review status: criteria provided, single submitter. Criteria: Ambry Variant Classification Scheme 2023. Collection method: clinical testing. Allele origin: germline.
Comment: The p.G1359R variant (also known as c.4075G>A), located in coding exon 20 of the BLM gene, results from a G to A substitution at nucleotide position 4075. The glycine at codon 1359 is replaced by arginine, an amino acid with dissimilar properties. This amino acid position is conserved. In addition, this alteration is predicted to be tolerated by in silico analysis. Based on the available evidence, the clinical significance of this variant remains unclear.

NM_000057.4(BLM):c.4075G>A (p.Gly1359Arg)

Gene: BLM (BLM RecQ like helicase; plus strand). Cytogenetic location: 15q26.1.
Variant type: single nucleotide variant.
Coding change: c.4075G>A on transcript NM_000057.4 (MANE Select); coding-DNA position 4075, G replaced by A.
Protein change: p.Gly1359Arg; replaces glycine 1359 with arginine.
Molecular consequence: missense variant.
Genome position (GRCh38, 1-based): chr15:90,811,405, G>A. VCF-style: chr15-90811405-G-A. GRCh37 (hg19) VCF-style: chr15-91354635-G-A.
Other names: c.4075G>A, p.Gly1359Arg (NM_001287246.2); c.3682G>A, p.Gly1228Arg (NM_001287247.2); c.2950G>A, p.Gly984Arg (NM_001287248.2); short protein forms G1228R, G984R, G1359R.
Identifiers: ClinVar variation 3261036 (VCV003261036.1).